The following is an entry in ClinVar:

ClinVar aggregate classification (germline): Uncertain significance (1 of 4 stars; one submission).

Allele frequency attached by ClinVar (database versions not stated): gnomAD 0.00001; TOPMed 0.00001.
gnomAD v4.1: 1 of 1,559,392 alleles (0.000064%); highest among the groups gnomAD compares: African/African-American, 0.0014%; no homozygotes.

Submission:

Labcorp Genetics (formerly Invitae), Labcorp
Classification: Uncertain significance. Last evaluated: 2023-12-03. Review status: criteria provided, single submitter. Criteria: Invitae Variant Classification Sherloc (09022015). Collection method: clinical testing. Allele origin: germline.
Comment: This sequence change replaces proline, which is neutral and non-polar, with leucine, which is neutral and non-polar, at codon 685 of the ITGAM protein (p.Pro685Leu). This variant is present in population databases (no rsID available, gnomAD 0.01%). This variant has not been reported in the literature in individuals affected with ITGAM-related conditions. Algorithms developed to predict the effect of missense changes on protein structure and function output the following: SIFT: "Not Available"; PolyPhen-2: "Benign"; Align-GVGD: "Not Available". The leucine amino acid residue is found in multiple mammalian species, which suggests that this missense change does not adversely affect protein function. In summary, the available evidence is currently insufficient to determine the role of this variant in disease. Therefore, it has been classified as a Variant of Uncertain Significance.

NM_000632.4(ITGAM):c.2054C>T (p.Pro685Leu)

Gene: ITGAM (integrin subunit alpha M; plus strand). Cytogenetic location: 16p11.2.
Variant type: single nucleotide variant.
Coding change: c.2054C>T on transcript NM_000632.4 (MANE Select); coding-DNA position 2054, C replaced by T.
Protein change: p.Pro685Leu; replaces proline 685 with leucine.
Molecular consequence: missense variant.
Genome position (GRCh38, 1-based): chr16:31,324,450, C>T. VCF-style: chr16-31324450-C-T. GRCh37 (hg19) VCF-style: chr16-31335771-C-T.
Other names: c.2057C>T, p.Pro686Leu (NM_001145808.2); short protein forms P686L, P685L.
Identifiers: ClinVar variation 3007729 (VCV003007729.3), dbSNP rs1424387424, ClinGen allele CA395686829.